The following is an entry in ClinVar:

ClinVar aggregate classification (germline): Uncertain significance (1 of 4 stars; one submission).

Conditions:
Hereditary cancer-predisposing syndrome. Also called: Neoplastic Syndromes, Hereditary; Tumor predisposition; Hereditary neoplastic syndrome; Hereditary Cancer Syndrome. Identifiers: Orphanet 140162, MedGen C0027672, MeSH D009386, MONDO:0015356.

gnomAD v4.1: 1 of 1,590,884 alleles (0.000063%); highest among the groups gnomAD compares: Non-Finnish European, 0.000086%; no homozygotes.

Submission:

Ambry Genetics
Classification: Uncertain significance for Hereditary cancer-predisposing syndrome. Last evaluated: 2023-01-03. Review status: criteria provided, single submitter. Criteria: Ambry Variant Classification Scheme 2023. Collection method: clinical testing. Allele origin: germline.
Comment: The p.G168A variant (also known as c.503G>C), located in coding exon 5 of the NBN gene, results from a G to C substitution at nucleotide position 503. The glycine at codon 168 is replaced by alanine, an amino acid with similar properties. This amino acid position is conserved. In addition, this alteration is predicted to be tolerated by in silico analysis. Since supporting evidence is limited at this time, the clinical significance of this alteration remains unclear.

NM_002485.5(NBN):c.503G>C (p.Gly168Ala)

Gene: NBN (nibrin; minus strand). Cytogenetic location: 8q21.3.
Variant type: single nucleotide variant.
Coding change: c.503G>C on transcript NM_002485.5 (MANE Select); coding-DNA position 503, G replaced by C.
Protein change: p.Gly168Ala; replaces glycine 168 with alanine.
Molecular consequence: missense variant.
Genome position (GRCh38, 1-based): chr8:89,978,301, C>G on the plus strand (G>C on the coding strand, the complement: NBN is on the minus strand). VCF-style: chr8-89978301-C-G. GRCh37 (hg19) VCF-style: chr8-90990529-C-G.
Other names: c.257G>C, p.Gly86Ala (NM_001024688.3); short protein forms G86A, G168A.
Identifiers: ClinVar variation 2452399 (VCV002452399.2), dbSNP rs1554566728, ClinGen allele CA371660641.